The following is an entry in ClinVar:

ClinVar aggregate classification (germline): Pathogenic (1 of 4 stars; one submission).

Submission:

GeneDx
Classification: Pathogenic. Last evaluated: 2025-09-21. Review status: criteria provided, single submitter. Criteria: GeneDx Variant Classification Process June 2021. Collection method: clinical testing. Allele origin: germline. Affected: yes.
Comment: Canonical splice site variant in a gene or region of a gene for which loss of function is not a well-established mechanism of disease; Not observed at significant frequency in large population cohorts (gnomAD); Has not been previously published as pathogenic or benign to our knowledge

NM_032892.5(FRMD5):c.1135+1G>A

Gene: FRMD5 (FERM domain containing 5; minus strand). Cytogenetic location: 15q15.3.
Variant type: single nucleotide variant.
Coding change: c.1135+1G>A on transcript NM_032892.5 (MANE Select); the canonical splice donor site of the intron after coding-DNA position 1135, G replaced by A.
Molecular consequence: splice donor variant.
Genome position (GRCh38, 1-based): chr15:43,883,702, C>T on the plus strand (G>A on the coding strand, the complement: FRMD5 is on the minus strand). VCF-style: chr15-43883702-C-T. GRCh37 (hg19) VCF-style: chr15-44175900-C-T.
Other names: c.1030+1G>A (NM_001322951.2); c.1135+1G>A (NM_001322949.2, NM_001411124.1, NM_001322950.2); c.433+1G>A (NM_001286491.2); c.853+1G>A (NM_001286490.2).
Identifiers: ClinVar variation 4813880 (VCV004813880.1).
Genomic context (GRCh38, chr15:43,883,702, plus strand): 5'-TCAAGGTCCCAGATCACAACTTGGAGGACCCCAGTGGTCACCTCAAGAAGCTCATGCTCA[C>T]CTTCCATGATGGAGATGTGAACAGCTCTTCTGCGGGTCCTGGGGACGCTGCTCAGCCTTG-3'